The following is an entry in ClinVar:

NM_001080508.3(TBX18):c.599+1G>A

Gene: TBX18 (T-box transcription factor 18; minus strand). Cytogenetic location: 6q14.3.
Variant type: single nucleotide variant.
Coding change: c.599+1G>A on transcript NM_001080508.3 (MANE Select); the canonical splice donor site of the intron after coding-DNA position 599, G replaced by A.
Molecular consequence: splice donor variant.
Genome position (GRCh38, 1-based): chr6:84,760,254, C>T on the plus strand (G>A on the coding strand, the complement: TBX18 is on the minus strand). VCF-style: chr6-84760254-C-T. GRCh37 (hg19) VCF-style: chr6-85469972-C-T.
Identifiers: ClinVar variation 4879855 (VCV004879855.1).
Genomic context (GRCh38, chr6:84,760,254, plus strand): 5'-GCACTAGCCTGCAAAATCCTAGTGTTTTTTTTTTTAATTGTTCAGTATCTAATCACTGTA[C>T]CTGTATCTTTTGTTGTCCACTGGTACAATATCCATGGCAATGTAATATTGCTGGTGAGGA-3'

ClinVar aggregate classification (germline): Uncertain significance (1 of 4 stars; one submission).

Conditions:
Congenital anomalies of kidney and urinary tract 2. Identifiers: Orphanet 2190, MedGen C5574705, MONDO:0027676, OMIM 143400.

Submission:

MVZ Medizinische Genetik Mainz
Classification: Uncertain significance for Congenital anomalies of kidney and urinary tract 2. Last evaluated: 2026-07-01. Review status: criteria provided, single submitter. Criteria: UK Practice Guidelines For Variant Classification V4 01 2020. Collection method: clinical testing. Allele origin: germline. Inheritance: Autosomal dominant inheritance. Affected: yes. Observed: 1 variant allele.
Comment: ACMG Criteria: PVS1_STR,PM2_SUP